The following is an entry in ClinVar:

NM_016292.3(TRAP1):c.671C>T (p.Pro224Leu)

Gene: TRAP1 (TNF receptor associated protein 1; minus strand). Cytogenetic location: 16p13.3.
Variant type: single nucleotide variant.
Coding change: c.671C>T on transcript NM_016292.3 (MANE Select); coding-DNA position 671, C replaced by T.
Protein change: p.Pro224Leu; replaces proline 224 with leucine.
Molecular consequence: missense variant.
Genome position (GRCh38, 1-based): chr16:3,677,531, G>A on the plus strand (C>T on the coding strand, the complement: TRAP1 is on the minus strand). VCF-style: chr16-3677531-G-A. GRCh37 (hg19) VCF-style: chr16-3727532-G-A.
Other names: c.512C>T, p.Pro171Leu (NM_001272049.2); c.671C>T (NM_016292.2); short protein forms P224L, P171L.
Identifiers: ClinVar variation 1363591 (VCV001363591.11), dbSNP rs201545995, ClinGen allele CA7868564.

ClinVar aggregate classification (germline): Uncertain significance. Review status: criteria provided, multiple submitters, no conflicts (2 of 4 stars). 3 submissions from 3 submitters: Uncertain significance (3). Last evaluated 2026-03-10.

Allele frequency attached by ClinVar (database versions not stated): gnomAD exomes 0.00013; ExAC 0.00015; ESP Exome Variant Server 0.00015; gnomAD 0.00015 and 0.00016; 1000 Genomes Project 30x 0.00016; TOPMed 0.00017.
gnomAD v4.1: 236 of 1,614,134 alleles (0.015%); highest among the groups gnomAD compares: Middle Eastern, 0.12%; 1 homozygote.

Submissions (3):

Ambry Genetics
Classification: Uncertain significance. Last evaluated: 2026-03-10. Review status: criteria provided, single submitter. Criteria: Ambry Variant Classification Scheme 2023. Collection method: clinical testing. Allele origin: germline.

Labcorp Genetics (formerly Invitae), Labcorp
Classification: Uncertain significance. Last evaluated: 2026-01-25. Review status: criteria provided, single submitter. Criteria: Invitae Variant Classification Sherloc (09022015). Collection method: clinical testing. Allele origin: germline.
Comment: This sequence change replaces proline, which is neutral and non-polar, with leucine, which is neutral and non-polar, at codon 224 of the TRAP1 protein (p.Pro224Leu). This variant is present in population databases (rs201545995, gnomAD 0.02%). This variant has not been reported in the literature in individuals affected with TRAP1-related conditions. ClinVar contains an entry for this variant (Variation ID: 1363591). An algorithm developed to predict the effect of missense changes on protein structure and function (PolyPhen-2) suggests that this variant is likely to be tolerated. In summary, the available evidence is currently insufficient to determine the role of this variant in disease. Therefore, it has been classified as a Variant of Uncertain Significance.

Breakthrough Genomics
Classification: Uncertain significance. Review status: criteria provided, single submitter. Criteria: ACMG Guidelines, 2015. Collection method: not provided. Allele origin: germline. Inheritance: Unknown mechanism. Affected: yes.